The following is an entry in ClinVar:

ClinVar aggregate classification (germline): Likely benign. Review status: criteria provided, multiple submitters, no conflicts (2 of 4 stars). 4 submissions from 4 submitters: Likely benign (4). Last evaluated 2026-01-25.

Conditions:
Severe early-onset pulmonary alveolar proteinosis due to MARS deficiency. Also called: PULMONARY ALVEOLAR PROTEINOSIS, REUNION ISLAND; Interstitial lung and liver disease. Identifiers: Orphanet 440427, MedGen C4225400, MONDO:0014206, OMIM 615486.
Charcot-Marie-Tooth disease axonal type 2U. Also called: CHARCOT-MARIE-TOOTH NEUROPATHY, TYPE 2U; CHARCOT-MARIE-TOOTH DISEASE, AXONAL, AUTOSOMAL DOMINANT, TYPE 2U. Identifiers: Orphanet 397735, MedGen C4084821, MONDO:0014566, OMIM 616280.
Charcot-Marie-Tooth disease. Also called: Charcot-Marie-Tooth Neuropathy; Charcot-Marie-Tooth Hereditary Neuropathy. Identifiers: Orphanet 166, MedGen C0007959, MONDO:0015626.

Allele frequency attached by ClinVar (database versions not stated): ESP Exome Variant Server 0.00008; gnomAD 0.00008 and 0.00009; gnomAD exomes 0.00008; TOPMed 0.00011; ExAC 0.00007.
gnomAD v4.1: 133 of 1,579,886 alleles (0.0084%); highest among the groups gnomAD compares: Middle Eastern, 0.18%; no homozygotes.

Submissions (5):

Labcorp Genetics (formerly Invitae), Labcorp
Classification: Likely benign for Charcot-Marie-Tooth disease axonal type 2U; Severe early-onset pulmonary alveolar proteinosis due to MARS deficiency. Last evaluated: 2026-01-25. Review status: criteria provided, single submitter. Criteria: Invitae Variant Classification Sherloc (09022015). Collection method: clinical testing. Allele origin: germline.

GeneDx
Classification: Likely benign. Last evaluated: 2017-12-15. Review status: criteria provided, single submitter. Criteria: GeneDx Variant Classification (06012015). Collection method: clinical testing. Allele origin: germline. Affected: yes.
Comment: This variant is considered likely benign or benign based on one or more of the following criteria: it is a conservative change, it occurs at a poorly conserved position in the protein, it is predicted to be benign by multiple in silico algorithms, and/or has population frequency not consistent with disease.

Breakthrough Genomics
Classification: Likely benign. Review status: criteria provided, single submitter. Criteria: ACMG Guidelines, 2015. Collection method: not provided. Allele origin: germline. Inheritance: Autosomal recessive inheritance. Affected: yes.

Molecular Genetics Laboratory, London Health Sciences Centre
Classification: Likely benign for Charcot-Marie-Tooth disease. Review status: criteria provided, single submitter. Criteria: ACMG Guidelines, 2015. Collection method: clinical testing. Allele origin: germline. Affected: yes.

Dr. Peter K. Rogan Lab, Western University
No classification provided (evidence only). Condition: Cervical cancer. Review status: no classification provided. Collection method: in vitro. Allele origin: not applicable. Functional consequence: retained intron. Not counted in ClinVar's aggregate classification.

NM_004990.4(MARS1):c.771-15C>G

Gene: MARS1 (methionyl-tRNA synthetase 1; plus strand). Cytogenetic location: 12q13.3.
Variant type: single nucleotide variant.
Coding change: c.771-15C>G on transcript NM_004990.4 (MANE Select); 15 bases into the intron before coding-DNA position 771, C replaced by G.
Molecular consequence: intron variant.
Genome position (GRCh38, 1-based): chr12:57,498,142, C>G. VCF-style: chr12-57498142-C-G. GRCh37 (hg19) VCF-style: chr12-57891925-C-G.
Identifiers: ClinVar variation 513797 (VCV000513797.11), dbSNP rs201328384, ClinGen allele CA6650300.